The following is an entry in ClinVar:

NM_020184.4(CNNM4):c.1981C>T (p.Arg661Cys)

Gene: CNNM4 (cyclin and CBS domain divalent metal cation transport mediator 4; plus strand). Cytogenetic location: 2q11.2.
Variant type: single nucleotide variant.
Coding change: c.1981C>T on transcript NM_020184.4 (MANE Select); coding-DNA position 1981, C replaced by T.
Protein change: p.Arg661Cys; replaces arginine 661 with cysteine.
Molecular consequence: missense variant.
Genome position (GRCh38, 1-based): chr2:96,808,593, C>T. VCF-style: chr2-96808593-C-T. GRCh37 (hg19) VCF-style: chr2-97474330-C-T.
Other names: short protein forms R661C.
Identifiers: ClinVar variation 972309 (VCV000972309.9), dbSNP rs746511017, ClinGen allele CA1783539.

ClinVar aggregate classification (germline): Uncertain significance. Review status: criteria provided, multiple submitters, no conflicts (2 of 4 stars). 3 submissions from 3 submitters: Uncertain significance (3). Last evaluated 2025-06-03.

Conditions:
Inborn genetic diseases. Identifiers: MedGen C0950123, MeSH D030342.

Allele frequency attached by ClinVar (database versions not stated): gnomAD exomes 0.00001; ExAC 0.00002; gnomAD 0.00002; TOPMed 0.00003.
gnomAD v4.1: 14 of 1,613,974 alleles (0.00087%); highest among the groups gnomAD compares: East Asian, 0.0045%; no homozygotes.

Submissions (3):

Ambry Genetics
Classification: Uncertain significance for Inborn genetic diseases. Last evaluated: 2025-06-03. Review status: criteria provided, single submitter. Criteria: Ambry Variant Classification Scheme 2023. Collection method: clinical testing. Allele origin: germline.

Blueprint Genetics
Classification: Uncertain significance. Last evaluated: 2023-02-24. Review status: criteria provided, single submitter. Criteria: ACMG Guidelines, 2015. Collection method: clinical testing. Allele origin: germline.

Labcorp Genetics (formerly Invitae), Labcorp
Classification: Uncertain significance. Last evaluated: 2022-06-13. Review status: criteria provided, single submitter. Criteria: Invitae Variant Classification Sherloc (09022015). Collection method: clinical testing. Allele origin: germline.
Comment: This sequence change replaces arginine, which is basic and polar, with cysteine, which is neutral and slightly polar, at codon 661 of the CNNM4 protein (p.Arg661Cys). This variant is present in population databases (rs746511017, gnomAD 0.01%). This variant has not been reported in the literature in individuals affected with CNNM4-related conditions. ClinVar contains an entry for this variant (Variation ID: 972309). Algorithms developed to predict the effect of missense changes on protein structure and function (SIFT, PolyPhen-2, Align-GVGD) all suggest that this variant is likely to be disruptive. In summary, the available evidence is currently insufficient to determine the role of this variant in disease. Therefore, it has been classified as a Variant of Uncertain Significance.